The following is an entry in ClinVar:

NM_000257.4(MYH7):c.924C>T (p.Tyr308=)

Gene: MYH7 (myosin heavy chain 7; minus strand). Cytogenetic location: 14q11.2.
Variant type: single nucleotide variant.
Coding change: c.924C>T on transcript NM_000257.4 (MANE Select); coding-DNA position 924, C replaced by T.
Protein change: p.Tyr308=; no amino-acid change (tyrosine 308 retained).
Molecular consequence: synonymous variant.
Genome position (GRCh38, 1-based): chr14:23,430,635, G>A on the plus strand (C>T on the coding strand, the complement: MYH7 is on the minus strand). VCF-style: chr14-23430635-G-A. GRCh37 (hg19) VCF-style: chr14-23899844-G-A.
Other names: c.924C>T (LRG_384t1).
Identifiers: ClinVar variation 414338 (VCV000414338.20), dbSNP rs762065412, ClinGen allele CA049713.
Genomic context (GRCh38, chr14:23,430,635, plus strand): 5'-CTCCTCAGCGTCATCAATGGAGGCCACGGTGGTCTCTCCTTGGGAGATGAATGCATAATC[G>A]TAGGGGTTGTTGGTGATCAGCAGCATGTCTAGGGGAAAAAACATGGTTAGGGTGGGACAC-3'
Protein context (NP_000248.2, residues 298-318): LDMLLITNNP[Tyr308=]DYAFISQGET

ClinVar aggregate classification (germline): Likely benign. Review status: criteria provided, multiple submitters, no conflicts (2 of 4 stars). 7 submissions from 7 submitters: Likely benign (7). Last evaluated 2026-02-19.

Conditions:
Cardiovascular phenotype. Identifiers: MedGen CN230736.
Myopathy, myosin storage, autosomal recessive (CMYO7B). Also called: CONGENITAL MYOPATHY 7B, MYOSIN STORAGE, AUTOSOMAL RECESSIVE. Identifiers: Orphanet 636970, MedGen C1850709, MONDO:0009708, OMIM 255160.
MYH7-related skeletal myopathy. Also called: MYOPATHY, DISTAL, EARLY-ONSET, AUTOSOMAL DOMINANT; MYOPATHY, LATE DISTAL HEREDITARY; Myopathy, distal, 1; Laing early-onset distal myopathy; Laing distal myopathy. Identifiers: Orphanet 59135, MedGen C4552004, MONDO:0008050, OMIM 160500.
Myosin storage myopathy (CMYO7A). Also called: Scapuloperoneal myopathy, MYH7-related; SCAPULOPERONEAL MUSCULAR DYSTROPHY; SCAPULOPERONEAL SYNDROME, MYOPATHIC TYPE; MYOPATHY, HYALINE BODY, AUTOSOMAL DOMINANT; MYH7-related late-onset scapuloperoneal muscular dystrophy; Congenital myopathy 7A, myosin storage, autosomal dominant. Identifiers: Orphanet 437572, Orphanet 636965, MedGen C1842160, MONDO:0008409, OMIM 608358.
Hypertrophic cardiomyopathy 1 (CMH1). Also called: MYH7-Related Familial Hypertrophic Cardiomyopathy; Familial hypertrophic cardiomyopathy 1. Identifiers: MedGen C3495498, MONDO:0008647, OMIM 192600.
Dilated cardiomyopathy 1S (CMD1S). Identifiers: Orphanet 154, Orphanet 54260, MedGen C1834481, MONDO:0013262, OMIM 613426.
Congenital myopathy with fiber type disproportion. Also called: Congenital fiber-type disproportion; Congenital fiber-type disproportion myopathy. Identifiers: Orphanet 2020, MedGen C0546264, MONDO:0009711. Inheritance: all.
MYH7-related disorder. Also called: MYH7-related condition; MYH7-related disease; MYH7-related disorders.
Cardiomyopathy (CMYO). Also called: Cardiomyopathies. Identifiers: Orphanet 167848, MedGen C0878544, MONDO:0004994, HP:0001638. Inheritance: Various modes of inheritance.
Hypertrophic cardiomyopathy. Also called: HYPERTROPHIC MYOCARDIOPATHY. Identifiers: Orphanet 217569, MedGen C0007194, MeSH D002312, MONDO:0005045, HP:0001639.

Allele frequency attached by ClinVar (database versions not stated): gnomAD exomes 0.00002; gnomAD 0.00004 and 0.00003; ExAC 0.00003; TOPMed 0.00003.
gnomAD v4.1: 23 of 1,613,962 alleles (0.0014%); highest among the groups gnomAD compares: African/African-American, 0.0067%; no homozygotes.

Submissions (7):

PreventionGenetics, part of Exact Sciences
Classification: Likely benign for MYH7-related condition. Last evaluated: 2026-02-19. Review status: criteria provided, single submitter. Criteria: ACMG Guidelines, 2015. Collection method: clinical testing. Allele origin: germline.
Comment: This variant is classified as likely benign based on ACMG/AMP sequence variant interpretation guidelines (Richards et al. 2015 PMID: 25741868, with internal and published modifications).

Labcorp Genetics (formerly Invitae), Labcorp
Classification: Likely benign for Hypertrophic cardiomyopathy. Last evaluated: 2025-12-13. Review status: criteria provided, single submitter. Criteria: Invitae Variant Classification Sherloc (09022015). Collection method: clinical testing. Allele origin: germline.

All of Us Research Program, National Institutes of Health
Classification: Likely benign for Cardiomyopathy. Last evaluated: 2023-11-30. Review status: criteria provided, single submitter. Criteria: ACMG Guidelines, 2015. Collection method: clinical testing. Allele origin: germline. Inheritance: Autosomal dominant inheritance. Observed: 4 variant alleles, 4 heterozygotes.
Comment: This study involves interpretation of variants in research participants for the purpose of population health screening. Participant phenotype was not available at the time of variant classification. Additional details can be found in publication PMID: 35346344, PMCID: PMC8962531

Fulgent Genetics
Classification: Likely benign for MYH7-related skeletal myopathy; Myosin storage myopathy; Hypertrophic cardiomyopathy 1; Myopathy, myosin storage, autosomal recessive; Congenital myopathy 4A, autosomal dominant; Dilated cardiomyopathy 1S. Last evaluated: 2021-07-28. Review status: criteria provided, single submitter. Criteria: ACMG Guidelines, 2015. Collection method: clinical testing. Allele origin: unknown.

GeneDx
Classification: Likely benign. Last evaluated: 2020-03-10. Review status: criteria provided, single submitter. Criteria: GeneDx Variant Classification Process June 2021. Collection method: clinical testing. Allele origin: germline. Affected: yes.

Color Diagnostics, LLC DBA Color Health
Classification: Likely benign for Cardiomyopathy. Last evaluated: 2019-07-15. Review status: criteria provided, single submitter. Criteria: ACMG Guidelines, 2015. Collection method: clinical testing. Allele origin: germline.

Ambry Genetics
Classification: Likely benign for Cardiovascular phenotype. Last evaluated: 2017-02-03. Review status: criteria provided, single submitter. Criteria: Ambry Variant Classification Scheme 2023. Collection method: clinical testing. Allele origin: germline.